The following is an entry in ClinVar:

ClinVar aggregate classification (germline): Uncertain significance. Review status: criteria provided, multiple submitters, no conflicts (2 of 4 stars). 2 submissions from 2 submitters: Uncertain significance (2). Last evaluated 2025-04-04.

Conditions:
Inborn genetic diseases. Identifiers: MedGen C0950123, MeSH D030342.

gnomAD v4.1: 5 of 1,613,826 alleles (0.00031%); highest among the groups gnomAD compares: Non-Finnish European, 0.00042%; no homozygotes.

Submissions (2):

Ambry Genetics
Classification: Uncertain significance for Inborn genetic diseases. Last evaluated: 2025-04-04. Review status: criteria provided, single submitter. Criteria: Ambry Variant Classification Scheme 2023. Collection method: clinical testing. Allele origin: germline.
Comment: The p.P1762H variant (also known as c.5285C>A), located in coding exon 20 of the FANCM gene, results from a C to A substitution at nucleotide position 5285. The proline at codon 1762 is replaced by histidine, an amino acid with similar properties. This amino acid position is conserved. In addition, this alteration is predicted to be tolerated by in silico analysis. Based on the available evidence, the clinical significance of this variant remains unclear.

GeneDx
Classification: Uncertain significance. Last evaluated: 2022-08-29. Review status: criteria provided, single submitter. Criteria: GeneDx Variant Classification Process June 2021. Collection method: clinical testing. Allele origin: germline. Affected: yes.
Comment: Not observed at significant frequency in large population cohorts (gnomAD); In silico analysis supports that this missense variant does not alter protein structure/function; Has not been previously published as pathogenic or benign to our knowledge

NM_020937.4(FANCM):c.5285C>A (p.Pro1762His)

Gene: FANCM (FA complementation group M; plus strand). Cytogenetic location: 14q21.2.
Variant type: single nucleotide variant.
Coding change: c.5285C>A on transcript NM_020937.4 (MANE Select); coding-DNA position 5285, C replaced by A.
Protein change: p.Pro1762His; replaces proline 1762 with histidine.
Molecular consequence: missense variant.
Genome position (GRCh38, 1-based): chr14:45,189,307, C>A. VCF-style: chr14-45189307-C-A. GRCh37 (hg19) VCF-style: chr14-45658510-C-A.
Other names: c.5207C>A, p.Pro1736His (NM_001308133.2); short protein forms P1736H, P1762H.
Identifiers: ClinVar variation 2442399 (VCV002442399.2), dbSNP rs747356020, ClinGen allele CA389613204.